The following is an entry in ClinVar:

NM_007294.4(BRCA1):c.3499G>A (p.Glu1167Lys)

Genes: BRCA1 (BRCA1 DNA repair associated; minus strand), LOC126862571 (BRD4-independent group 4 enhancer GRCh37_chr17:41243136-41244335; plus strand). Cytogenetic location: 17q21.31.
Variant type: single nucleotide variant.
Coding change: c.3499G>A on transcript NM_007294.4 (MANE Select); coding-DNA position 3499, G replaced by A.
Protein change: p.Glu1167Lys; replaces glutamic acid 1167 with lysine.
Molecular consequence: missense variant. On other transcripts: intron variant (135).
Genome position (GRCh38, 1-based): chr17:43,092,032, C>T on the plus strand (G>A on the coding strand, the complement: BRCA1 is on the minus strand). VCF-style: chr17-43092032-C-T. GRCh37 (hg19) VCF-style: chr17-41244049-C-T.
Other names: c.3235G>A, p.Glu1079Lys (NM_001407927.1, NM_001407929.1, NM_001407925.1 and 9 more transcripts); c.3232G>A, p.Glu1078Lys (NM_001407930.1, NM_001407931.1, NM_001407932.1 and 2 more transcripts); c.3286G>A, p.Glu1096Lys (NM_001407571.1, NM_001407853.1, NM_001407894.1 and 9 more transcripts); c.3499G>A, p.Glu1167Lys (NM_001407581.1, NM_001407582.1, NM_001407583.1 and 30 more transcripts); c.3496G>A, p.Glu1166Lys (NM_001407587.1, NM_001407590.1, NM_001407591.1 and 22 more transcripts); c.3490G>A, p.Glu1164Lys (NM_001407646.1, NM_001407647.1); c.3376G>A, p.Glu1126Lys (NM_001407648.1, NM_001407664.1, NM_001407665.1 and 19 more transcripts); c.3373G>A, p.Glu1125Lys (NM_001407649.1, NM_001407670.1, NM_001407671.1 and 11 more transcripts); and 41 more; short protein forms E1039K, E1040K, E1079K, E1097K, E1099K, E1125K, E1140K, E871K.
Identifiers: ClinVar variation 1732008 (VCV001732008.4), dbSNP rs2154308100, ClinGen allele CA10594978.
Genomic context (GRCh38, chr17:43,092,032, plus strand): 5'-TAAGCTCTCCTTTCTGGACGCTTTTGCTAAAAACAGCAGAACTTTCCTTAATGTCATTTT[C>T]AGCAAAACTAGTATCTTCCTTTATTTCACCATCATCTAACAGGTCATCAGGTGTCTCAGA-3'
Protein context (NP_009225.1, residues 1157-1177): GEIKEDTSFA[Glu1167Lys]NDIKESSAVF

ClinVar aggregate classification (germline): Conflicting classifications of pathogenicity. Review status: criteria provided, conflicting classifications (1 of 4 stars). 2 submissions from 2 submitters: Uncertain significance (1); Likely benign (1). Last evaluated 2023-03-23.

Conditions:
Hereditary cancer-predisposing syndrome. Also called: Neoplastic Syndromes, Hereditary; Tumor predisposition; Hereditary Cancer Syndrome; Hereditary neoplastic syndrome. Identifiers: Orphanet 140162, MedGen C0027672, MeSH D009386, MONDO:0015356.

Submissions (2):

University of Washington Department of Laboratory Medicine, University of Washington
Classification: Likely benign for Hereditary cancer-predisposing syndrome. Last evaluated: 2023-03-23. Review status: criteria provided, single submitter. Criteria: Dines et al. (Genet Med. 2020). Collection method: curation. Allele origin: germline.
Comment: Missense variant in a coldspot region where missense variants are very unlikely to be pathogenic (PMID:31911673).

BRCA1 coldspot (exon 11 using historical exon numbering). Reclassification based on statistical prior probability

Ambry Genetics
Classification: Uncertain significance for Hereditary cancer-predisposing syndrome. Last evaluated: 2022-04-07. Review status: criteria provided, single submitter. Criteria: Ambry Variant Classification Scheme 2023. Collection method: clinical testing. Allele origin: germline.
Comment: The p.E1167K variant (also known as c.3499G>A), located in coding exon 9 of the BRCA1 gene, results from a G to A substitution at nucleotide position 3499. The glutamic acid at codon 1167 is replaced by lysine, an amino acid with similar properties. This amino acid position is not well conserved in available vertebrate species. In addition, the in silico prediction for this alteration is inconclusive. Since supporting evidence is limited at this time, the clinical significance of this alteration remains unclear.